The following is an entry in ClinVar:

ClinVar aggregate classification (germline): Uncertain significance. Review status: criteria provided, multiple submitters, no conflicts (2 of 4 stars). 2 submissions from 2 submitters: Uncertain significance (2). Last evaluated 2025-09-27.

Allele frequency attached by ClinVar (database versions not stated): gnomAD 0.00004; TOPMed 0.00002; gnomAD exomes 0.00001; ExAC below 0.00001.
gnomAD v4.1: 22 of 1,445,106 alleles (0.0015%); highest among the groups gnomAD compares: Admixed American, 0.0057%; no homozygotes.

Submissions (2):

Ambry Genetics
Classification: Uncertain significance. Last evaluated: 2025-09-27. Review status: criteria provided, single submitter. Criteria: Ambry Variant Classification Scheme 2023. Collection method: clinical testing. Allele origin: germline.
Comment: The c.6520C>T (p.R2174C) alteration is located in exon 43 (coding exon 41) of the NCOR2 gene. This alteration results from a C to T substitution at nucleotide position 6520, causing the arginine (R) at amino acid position 2174 to be replaced by a cysteine (C). Based on data from gnomAD, the T allele has an overall frequency of <0.001% (0/89228) total alleles studied. The highest observed frequency was <0.001% (/) of alleles. Based on insufficient or conflicting evidence, the clinical significance of this alteration remains unclear.

Women's Health and Genetics/Laboratory Corporation of America, LabCorp
Classification: Uncertain significance. Last evaluated: 2020-07-17. Review status: criteria provided, single submitter. Criteria: LabCorp Variant Classification Summary - May 2015. Collection method: clinical testing. Allele origin: germline.
Comment: Variant summary: NCOR2 c.6520C>T (p.Arg2174Cys) results in a non-conservative amino acid change in the encoded protein sequence. Three of five in-silico tools predict a damaging effect of the variant on protein function. The variant allele was found at a frequency of 0.00004188 in 143270 control chromosomes in the gnomAD (v3) database. The available data on variant occurrences in the general population are insufficient to allow any conclusion about variant significance. To our knowledge, no occurrence of c.6520C>T in individuals affected with NCOR2-Related Disorders and no experimental evidence demonstrating its impact on protein function have been reported. No clinical diagnostic laboratories have submitted clinical-significance assessments for this variant to ClinVar after 2014. Based on the evidence outlined above, the variant was classified as uncertain significance.

NM_006312.6(NCOR2):c.6520C>T (p.Arg2174Cys)

Gene: NCOR2 (nuclear receptor corepressor 2; minus strand). Cytogenetic location: 12q24.31.
Variant type: single nucleotide variant.
Coding change: c.6520C>T on transcript NM_006312.6 (MANE Select); coding-DNA position 6520, C replaced by T.
Protein change: p.Arg2174Cys; replaces arginine 2174 with cysteine.
Molecular consequence: missense variant.
Genome position (GRCh38, 1-based): chr12:124,334,509, G>A on the plus strand (C>T on the coding strand, the complement: NCOR2 is on the minus strand). VCF-style: chr12-124334509-G-A. GRCh37 (hg19) VCF-style: chr12-124819055-G-A.
Other names: c.6490C>T, p.Arg2164Cys (NM_001077261.4, NM_001206654.2); short protein forms R2164C, R2174C.
Identifiers: ClinVar variation 974987 (VCV000974987.2), dbSNP rs761892157, ClinGen allele CA6867492.